The following is an entry in ClinVar:

NM_173660.5(DOK7):c.54+3C>T

Gene: DOK7 (docking protein 7; plus strand). Cytogenetic location: 4p16.3.
Variant type: single nucleotide variant.
Coding change: c.54+3C>T on transcript NM_173660.5 (MANE Select); 3 bases into the intron after coding-DNA position 54, C replaced by T.
Molecular consequence: intron variant.
Genome position (GRCh38, 1-based): chr4:3,463,432, C>T. VCF-style: chr4-3463432-C-T. GRCh37 (hg19) VCF-style: chr4-3465159-C-T.
Other names: c.54+3C>T (NM_001301071.2, NM_001363811.2, NM_001164673.2).
Identifiers: ClinVar variation 1408544 (VCV001408544.6), dbSNP rs1560200971, ClinGen allele CA549329461.

ClinVar aggregate classification (germline): Uncertain significance (1 of 4 stars; one submission).

Conditions:
Congenital myasthenic syndrome 10. Also called: Myasthenia, limb-girdle, familial. Identifiers: Orphanet 590, MedGen C1850792, MONDO:0009690, OMIM 254300.
Fetal akinesia deformation sequence 1 (FADS1). Also called: Pena-Shokeir syndrome type I; Fetal akinesia sequence. Identifiers: Orphanet 994, MedGen C1276035, MONDO:0100101, OMIM 208150, HP:0001989.

Allele frequency attached by ClinVar (database versions not stated): gnomAD exomes below 0.00001 and 0.00003.
gnomAD v4.1: 1 of 556,718 alleles (0.00018%); highest among the groups gnomAD compares: South Asian, 0.002%; no homozygotes.

Submission:

Labcorp Genetics (formerly Invitae), Labcorp
Classification: Uncertain significance for Congenital myasthenic syndrome 10; Fetal akinesia deformation sequence 1. Last evaluated: 2025-10-02. Review status: criteria provided, single submitter. Criteria: Invitae Variant Classification Sherloc (09022015). Collection method: clinical testing. Allele origin: germline.
Comment: This sequence change falls in intron 1 of the DOK7 gene. It does not directly change the encoded amino acid sequence of the DOK7 protein. It affects a nucleotide within the consensus splice site. The frequency data for this variant in the population databases is considered unreliable, as metrics indicate poor data quality at this position in the gnomAD database. This variant has not been reported in the literature in individuals affected with DOK7-related conditions. ClinVar contains an entry for this variant (Variation ID: 1408544). Variants that disrupt the consensus splice site are a relatively common cause of aberrant splicing (PMID: 17576681, 9536098). Algorithms developed to predict the effect of sequence changes on RNA splicing suggest that this variant is not likely to affect RNA splicing. In summary, the available evidence is currently insufficient to determine the role of this variant in disease. Therefore, it has been classified as a Variant of Uncertain Significance.

Literature cited by the submitters: PubMed 17576681; PubMed 9536098.